The following is an entry in ClinVar:

NM_001130144.3(LTBP3):c.3530G>A (p.Cys1177Tyr)

Gene: LTBP3 (latent transforming growth factor beta binding protein 3; minus strand). Cytogenetic location: 11q13.1.
Variant type: single nucleotide variant.
Coding change: c.3530G>A on transcript NM_001130144.3 (MANE Select); coding-DNA position 3530, G replaced by A.
Protein change: p.Cys1177Tyr; replaces cysteine 1177 with tyrosine.
Molecular consequence: missense variant.
Genome position (GRCh38, 1-based): chr11:65,539,737, C>T on the plus strand (G>A on the coding strand, the complement: LTBP3 is on the minus strand). VCF-style: chr11-65539737-C-T. GRCh37 (hg19) VCF-style: chr11-65307208-C-T.
Other names: c.3038G>A, p.Cys1013Tyr (NM_001164266.1); c.3389G>A, p.Cys1130Tyr (NM_021070.4); short protein forms C1013Y, C1130Y, C1177Y.
Identifiers: ClinVar variation 4773716 (VCV004773716.1).

ClinVar aggregate classification (germline): Uncertain significance (1 of 4 stars; one submission).

Conditions:
Brachyolmia-amelogenesis imperfecta syndrome. Also called: Tooth agenesis, selective, 6; Dental anomalies and short stature; PLATYSPONDYLY WITH AMELOGENESIS IMPERFECTA. Identifiers: Orphanet 2899, MedGen C1832594, MONDO:0011018, OMIM 601216. Disease mechanism: loss of function.

Submission:

Labcorp Genetics (formerly Invitae), Labcorp
Classification: Uncertain significance for Brachyolmia-amelogenesis imperfecta syndrome. Last evaluated: 2025-02-27. Review status: criteria provided, single submitter. Criteria: Invitae Variant Classification Sherloc (09022015). Collection method: clinical testing. Allele origin: germline.
Comment: This sequence change replaces cysteine, which is neutral and slightly polar, with tyrosine, which is neutral and polar, at codon 1177 of the LTBP3 protein (p.Cys1177Tyr). This variant is not present in population databases (gnomAD no frequency). This variant has not been reported in the literature in individuals affected with LTBP3-related conditions. An algorithm developed to predict the effect of missense changes on protein structure and function (PolyPhen-2) suggests that this variant is likely to be disruptive. In summary, the available evidence is currently insufficient to determine the role of this variant in disease. Therefore, it has been classified as a Variant of Uncertain Significance.